The following is an entry in ClinVar:

NM_139276.3(STAT3):c.973C>T (p.Arg325Trp)

Gene: STAT3 (signal transducer and activator of transcription 3; minus strand). Cytogenetic location: 17q21.2.
Variant type: single nucleotide variant.
Coding change: c.973C>T on transcript NM_139276.3 (MANE Select); coding-DNA position 973, C replaced by T.
Protein change: p.Arg325Trp; replaces arginine 325 with tryptophan.
Molecular consequence: missense variant.
Genome position (GRCh38, 1-based): chr17:42,333,749, G>A on the plus strand (C>T on the coding strand, the complement: STAT3 is on the minus strand). VCF-style: chr17-42333749-G-A. GRCh37 (hg19) VCF-style: chr17-40485767-G-A.
Other names: c.973C>T, p.Arg325Trp (NM_001369512.1, NM_001369513.1, NM_001369514.1 and 15 more transcripts); c.895C>T, p.Arg299Trp (NM_001384985.1); c.877C>T, p.Arg293Trp (NM_001384989.1); short protein forms R325W, R293W, R299W.
Identifiers: ClinVar variation 566291 (VCV000566291.10), dbSNP rs1567718244, ClinGen allele CA399590773.
Genomic context (GRCh38, chr17:42,333,749, plus strand): 5'-ACTGGACGCCGGTCTTGATGACGAGGGGCCGGTCAGGATGCATGGGCATGCAGGGCTGCC[G>A]CTCCACCACAAAGGCACTGAGGAAAGAGAAGATGGGCTCACGCGCCACGGCCATGACCAG-3'
Protein context (NP_644805.1, residues 315-335): NLMKSAFVVE[Arg325Trp]QPCMPMHPDR

ClinVar aggregate classification (germline): Uncertain significance (1 of 4 stars; one submission).

Conditions:
Hyper-IgE recurrent infection syndrome 1, autosomal dominant. Also called: Job's Syndrome; Hyper-IgE recurrent infection syndrome 1; HYPER-IgE SYNDROME 1, AUTOSOMAL DOMINANT, WITH RECURRENT INFECTIONS; JOB SYNDROME; STAT3 Hyper IgE Syndrome. Identifiers: Orphanet 2314, MedGen C2936739, MONDO:0007818, OMIM 147060.
STAT3 gain of function. Identifiers: MedGen C4288261.

Allele frequency attached by ClinVar (database versions not stated): gnomAD exomes below 0.00001.
gnomAD v4.1: 3 of 1,614,192 alleles (0.00019%); highest among the groups gnomAD compares: Non-Finnish European, 0.00025%; no homozygotes.

Submission:

Labcorp Genetics (formerly Invitae), Labcorp
Classification: Uncertain significance for STAT3 gain of function; Hyper-IgE recurrent infection syndrome 1, autosomal dominant. Last evaluated: 2023-12-22. Review status: criteria provided, single submitter. Criteria: Invitae Variant Classification Sherloc (09022015). Collection method: clinical testing. Allele origin: germline.
Comment: This sequence change replaces arginine, which is basic and polar, with tryptophan, which is neutral and slightly polar, at codon 325 of the STAT3 protein (p.Arg325Trp). This variant is not present in population databases (gnomAD no frequency). This variant has not been reported in the literature in individuals affected with STAT3-related conditions. ClinVar contains an entry for this variant (Variation ID: 566291). Advanced modeling of protein sequence and biophysical properties (such as structural, functional, and spatial information, amino acid conservation, physicochemical variation, residue mobility, and thermodynamic stability) performed at Invitae indicates that this missense variant is expected to disrupt STAT3 protein function with a positive predictive value of 80%. In summary, the available evidence is currently insufficient to determine the role of this variant in disease. Therefore, it has been classified as a Variant of Uncertain Significance.